The following is an entry in ClinVar:

NM_001267550.2(TTN):c.4027C>T (p.Gln1343Ter)

Genes: TTN (titin; minus strand), LOC101927055 (uncharacterized LOC101927055; plus strand). Cytogenetic location: 2q31.2.
Variant type: single nucleotide variant.
Coding change: c.4027C>T on transcript NM_001267550.2 (MANE Select); coding-DNA position 4027, C replaced by T.
Protein change: p.Gln1343Ter; replaces glutamine 1343 with a stop codon.
Molecular consequence: nonsense.
Genome position (GRCh38, 1-based): chr2:178,779,055, G>A on the plus strand (C>T on the coding strand, the complement: TTN is on the minus strand). VCF-style: chr2-178779055-G-A. GRCh37 (hg19) VCF-style: chr2-179643782-G-A.
Other names: c.4027C>T, p.Gln1343Ter (NM_001256850.1, NM_133379.5, NM_133378.4); c.3889C>T, p.Gln1297Ter (NM_003319.4, NM_133432.3, NM_133437.4); short protein forms Q1343*, Q1297*.
Identifiers: ClinVar variation 166322 (VCV000166322.17), dbSNP rs727503697, ClinGen allele CA273280.

ClinVar aggregate classification (germline): Likely pathogenic. Review status: criteria provided, multiple submitters, no conflicts (2 of 4 stars). 3 submissions from 3 submitters: Likely pathogenic (3). Last evaluated 2025-06-22.

Conditions:
Cardiovascular phenotype. Identifiers: MedGen CN230736.
Dilated cardiomyopathy 1G (CMD1G). Identifiers: Orphanet 154, MedGen C1858763, MONDO:0011400, OMIM 604145.
Autosomal recessive limb-girdle muscular dystrophy type 2J (LGMDR10). Also called: Limb-girdle muscular dystrophy, type 2J; MUSCULAR DYSTROPHY, LIMB-GIRDLE, AUTOSOMAL RECESSIVE 10. Identifiers: Orphanet 140922, MedGen C1837342, MONDO:0012127, OMIM 608807.
Primary dilated cardiomyopathy (DCM). Also called: Dilated Cardiomyopathy. Identifiers: Orphanet 217604, MedGen C0007193, MeSH D002311, MONDO:0005021, HP:0001644. Inheritance: Various modes of inheritance.

Submissions (3):

Labcorp Genetics (formerly Invitae), Labcorp
Classification: Likely pathogenic for Dilated cardiomyopathy 1G; Autosomal recessive limb-girdle muscular dystrophy type 2J. Last evaluated: 2025-06-22. Review status: criteria provided, single submitter. Criteria: Invitae Variant Classification Sherloc (09022015). Collection method: clinical testing. Allele origin: germline.
Comment: This sequence change creates a premature translational stop signal (p.Gln1343*) in the TTN gene. While this is not anticipated to result in nonsense mediated decay, it is expected to create a truncated TTN protein. This variant is not present in population databases (gnomAD no frequency). This variant has not been reported in the literature in individuals affected with TTN-related conditions. ClinVar contains an entry for this variant (Variation ID: 166322). This variant is located in the Z band of TTN (PMID: 25589632). Truncating variants in this region have been reported in individuals affected with autosomal recessive centronuclear myopathy (PMID: 33449170, internal data). Truncating variants in this region have also been identified in individuals affected with autosomal dominant dilated cardiomyopathy and/or cardio-related conditions (PMID: 27869827, 32964742, internal data). In summary, the currently available evidence indicates that the variant is pathogenic, but additional data are needed to prove that conclusively. Therefore, this variant has been classified as Likely Pathogenic.

Ambry Genetics
Classification: Likely pathogenic for Cardiovascular phenotype. Last evaluated: 2025-02-25. Review status: criteria provided, single submitter. Criteria: Ambry Variant Classification Scheme 2023. Collection method: clinical testing. Allele origin: germline.
Comment: The p.Q1297* variant (also known as c.3889C>T), located in coding exon 22 of the TTN gene, results from a C to T substitution at nucleotide position 3889. This changes the amino acid from a glutamine to a stop codon within coding exon 22. This exon is located in the near Z-disk region of the N2-B isoform of the titin protein and is constitutively expressed in TTN transcripts (percent spliced in or PSI 100%). This variant is considered to be rare based on population cohorts in the Genome Aggregation Database (gnomAD). This variant is expected to result in loss of function by premature protein truncation or nonsense-mediated mRNA decay. While truncating variants in TTN are present in 1-3% of the general population, truncating variants in the A-band are the most common cause of dilated cardiomyopathy (Herman DS et al. N. Engl. J. Med., 2012 Feb;366:619-28; Roberts AM et al. Sci Transl Med, 2015 Jan;7:270ra6). TTN truncating variants encoded in constitutive exons (PSI >90%) have been found to be significantly associated with DCM regardless of their position in titin (Schafer S et al. Nat. Genet., 2017 01;49:46-53; Akhtar MM et al. Circ Heart Fail, 2020 Oct;13:e006832; Massier M et al. Clin Genet, 2025 Jan). Based on the majority of available evidence to date, this variant is likely to be pathogenic.

Laboratory for Molecular Medicine, Mass General Brigham Personalized Medicine
Classification: Likely pathogenic for Primary dilated cardiomyopathy. Last evaluated: 2013-06-05. Review status: criteria provided, single submitter. Criteria: LMM Criteria. Collection method: clinical testing. Allele origin: germline. Inheritance: Autosomal dominant inheritance. Observed: 1 variant allele.
Comment: The Gln1343X variant in TTN has not been reported in individuals with cardiomyop athy or in large population studies. This nonsense variant leads to a premature termination codon at position 1343, which is predicted to lead to a truncated or absent protein. Nonsense and other truncating variants in TTN are strongly asso ciated with DCM and the majority occur in the A-band (Herman 2012, LMM unpublish ed data), while this variant occurs in nearby Z-disc. In summary, this variant i s likely to be pathogenic, though additional studies are required to fully estab lish its clinical significance.

Literature cited by the submitters: PubMed 25589632 (cited by Labcorp Genetics (formerly Invitae), Labcorp); PubMed 33449170 (cited by Labcorp Genetics (formerly Invitae), Labcorp); PubMed 27869827 (cited by Labcorp Genetics (formerly Invitae), Labcorp); PubMed 32964742 (cited by Labcorp Genetics (formerly Invitae), Labcorp).